The following is an entry in ClinVar:

NM_024675.4(PALB2):c.3290C>T (p.Pro1097Leu)

Gene: PALB2 (partner and localizer of BRCA2; minus strand). Cytogenetic location: 16p12.2.
Variant type: single nucleotide variant.
Coding change: c.3290C>T on transcript NM_024675.4 (MANE Select); coding-DNA position 3290, C replaced by T.
Protein change: p.Pro1097Leu; replaces proline 1097 with leucine.
Molecular consequence: missense variant.
Genome position (GRCh38, 1-based): chr16:23,607,924, G>A on the plus strand (C>T on the coding strand, the complement: PALB2 is on the minus strand). VCF-style: chr16-23607924-G-A. GRCh37 (hg19) VCF-style: chr16-23619245-G-A.
Other names: short protein forms P1097L.
Identifiers: ClinVar variation 944865 (VCV000944865.12), dbSNP rs587781308, ClinGen allele CA395139555.

ClinVar aggregate classification (germline): Uncertain significance. Review status: criteria provided, multiple submitters, no conflicts (2 of 4 stars). 2 submissions from 2 submitters: Uncertain significance (2). Last evaluated 2025-09-23.

Conditions:
Familial cancer of breast. Also called: hereditary breast carcinoma; BREAST CANCER, FAMILIAL; Hereditary breast cancer. Identifiers: Orphanet 227535, MedGen C0346153, MONDO:0016419, OMIM 114480. Disease mechanism: loss of function.
Hereditary cancer-predisposing syndrome. Also called: Neoplastic Syndromes, Hereditary; Hereditary Cancer Syndrome; Tumor predisposition; Hereditary neoplastic syndrome. Identifiers: Orphanet 140162, MedGen C0027672, MeSH D009386, MONDO:0015356.

Submissions (2):

Ambry Genetics
Classification: Uncertain significance for Hereditary cancer-predisposing syndrome. Last evaluated: 2025-09-23. Review status: criteria provided, single submitter. Criteria: Ambry Variant Classification Scheme 2023. Collection method: clinical testing. Allele origin: germline.
Comment: The p.P1097L variant (also known as c.3290C>T), located in coding exon 12 of the PALB2 gene, results from a C to T substitution at nucleotide position 3290. The proline at codon 1097 is replaced by leucine, an amino acid with similar properties. This amino acid position is highly conserved in available vertebrate species. In addition, the in silico prediction for this alteration is inconclusive. Based on the available evidence, the clinical significance of this variant remains unclear.

Labcorp Genetics (formerly Invitae), Labcorp
Classification: Uncertain significance for Familial cancer of breast. Last evaluated: 2025-09-11. Review status: criteria provided, single submitter. Criteria: Invitae Variant Classification Sherloc (09022015). Collection method: clinical testing. Allele origin: germline.
Comment: This sequence change replaces proline, which is neutral and non-polar, with leucine, which is neutral and non-polar, at codon 1097 of the PALB2 protein (p.Pro1097Leu). This variant is not present in population databases (gnomAD no frequency). This variant has not been reported in the literature in individuals affected with PALB2-related conditions. ClinVar contains an entry for this variant (Variation ID: 944865). An algorithm developed to predict the effect of missense changes on protein structure and function (PolyPhen-2) suggests that this variant is likely to be disruptive. In summary, the available evidence is currently insufficient to determine the role of this variant in disease. Therefore, it has been classified as a Variant of Uncertain Significance.